The following is an entry in ClinVar:

ClinVar aggregate classification (germline): Likely pathogenic (1 of 4 stars; one submission).

Submission:

Clinical Genomics Laboratory, Laboratory for Precision Diagnostics, University of Washington
Classification: Likely pathogenic. Last evaluated: 2023-07-05. Review status: criteria provided, single submitter. Criteria: ACMG/ClinGen CNV Guidelines, 2019. Collection method: clinical testing. Allele origin: maternal. Affected: yes. Observed: 1 variant allele.
Comment: This interstitial deletion is approximately 23.4 kb in size and removes exon 1 of COL4A4 (OMIM 120131) and exon 1 of COL4A3 (OMIM 120070). Exon 1 of COL4A4 is a non-coding exon, but multiple instances have been described in which deletion of a non-coding first exon causes loss of function and leads to health problems (PMID: 33265914; PMID: 35128829; PMID: 20877415). Exon 1 of COL4A3 is a coding exon, so this deletion is predicted to also cause loss of function of this copy of COL4A3. Loss of function variants in COL4A4 and COL4A3 are each associated with Alport syndrome (ClinGen), which causes a spectrum of problems in renal function ranging from hematuria to progressive renal disease leading to end stage renal failure. Progressive sensorineural hearing loss also occurs in some people with Alport syndrome. The genetics of Alport syndrome are complex, with some variants in COL4A4 and COL4A3 following an autosomal recessive pattern while others follow an autosomal dominant pattern. In some families, the inheritance appears to be digenic (affected people have variants in two of the COL4A genes). Neither were available for genetic testing.

Literature cited by the submitters: PubMed 35128829; PubMed 25575550; PubMed 33265914; PubMed 24854265; PubMed 20877415.

GRCh38/hg38 2q36.3(chr2:227161040-227184442)x1

Genes: COL4A3 (collagen type IV alpha 3 chain; plus strand), COL4A4 (collagen type IV alpha 4 chain; minus strand), LOC129935730 (ATAC-STARR-seq lymphoblastoid silent region 12397; plus strand). Cytogenetic location: 2q36.3.
Variant type: copy number loss.
Change: copy number 1 (one copy instead of two) of chr2:227,161,040-227,184,442 (23.4 kb, GRCh38 coordinates, 1-based), cytogenetic band 2q36.3.
Identifiers: ClinVar variation 4890929 (VCV004890929.1).